The following is an entry in ClinVar:

ClinVar aggregate classification (germline): Uncertain significance (1 of 4 stars; one submission).

Conditions:
Naxos disease (NXD). Also called: KERATOSIS PALMOPLANTARIS WITH ARRHYTHMOGENIC CARDIOMYOPATHY; MAL DE NAXOS; PALMOPLANTAR KERATODERMA WITH ARRHYTHMOGENIC RIGHT VENTRICULAR CARDIOMYOPATHY AND WOOLLY HAIR; CARDIOMYOPATHY, ARRHYTHMOGENIC RIGHT VENTRICULAR, WITH SKIN, HAIR, AND NAIL ABNORMALITIES; WOOLLY HAIR, PALMOPLANTAR KERATODERMA, AND CARDIAC ABNORMALITIES. Identifiers: Orphanet 34217, MedGen C1832600, MONDO:0011017, OMIM 601214.
Arrhythmogenic right ventricular dysplasia 12. Also called: ARRHYTHMOGENIC RIGHT VENTRICULAR DYSPLASIA, FAMILIAL, 12. Identifiers: MedGen C1969081, MONDO:0012684, OMIM 611528.

Submission:

Labcorp Genetics (formerly Invitae), Labcorp
Classification: Uncertain significance for Arrhythmogenic right ventricular dysplasia 12; Naxos disease. Last evaluated: 2025-03-20. Review status: criteria provided, single submitter. Criteria: Invitae Variant Classification Sherloc (09022015). Collection method: clinical testing. Allele origin: germline.
Comment: This sequence change replaces histidine, which is basic and polar, with aspartic acid, which is acidic and polar, at codon 461 of the JUP protein (p.His461Asp). This variant is not present in population databases (gnomAD no frequency). This variant has not been reported in the literature in individuals affected with JUP-related conditions. An algorithm developed to predict the effect of missense changes on protein structure and function (PolyPhen-2) suggests that this variant is likely to be disruptive. In summary, the available evidence is currently insufficient to determine the role of this variant in disease. Therefore, it has been classified as a Variant of Uncertain Significance.

NM_002230.4(JUP):c.1381C>G (p.His461Asp)

Gene: JUP (junction plakoglobin; minus strand). Cytogenetic location: 17q21.2.
Variant type: single nucleotide variant.
Coding change: c.1381C>G on transcript NM_002230.4 (MANE Select); coding-DNA position 1381, C replaced by G.
Protein change: p.His461Asp; replaces histidine 461 with aspartic acid.
Molecular consequence: missense variant.
Genome position (GRCh38, 1-based): chr17:41,763,099, G>C on the plus strand (C>G on the coding strand, the complement: JUP is on the minus strand). VCF-style: chr17-41763099-G-C. GRCh37 (hg19) VCF-style: chr17-39919351-G-C.
Other names: c.1381C>G, p.His461Asp (NM_001352773.2, NM_001352774.2, NM_001352775.2 and 3 more transcripts); short protein forms H461D.
Identifiers: ClinVar variation 4784491 (VCV004784491.1).
Genomic context (GRCh38, chr17:41,763,099, plus strand): 5'-CATAGTTGAGACGCACAGAGTTCTGGGCCATCTCGGCCTCAGGGTGGCGGCTAGTGAGGT[G>C]GCGCAGAGCGCAGACGGCAGGCTCCGTGATGTCGTCCTTGTCACCAGCACGCAGGATGGC-3'
Protein context (NP_002221.1, residues 451-471): ITEPAVCALR[His461Asp]LTSRHPEAEM